The following is an entry in ClinVar:

NM_145868.2(ANXA11):c.74G>A (p.Gly25Asp)

Gene: ANXA11 (annexin A11; minus strand). Cytogenetic location: 10q22.3.
Variant type: single nucleotide variant.
Coding change: c.74G>A on transcript NM_145868.2 (MANE Select); coding-DNA position 74, G replaced by A.
Protein change: p.Gly25Asp; replaces glycine 25 with aspartic acid.
Molecular consequence: missense variant. On other transcripts: 5 prime UTR variant (1).
Genome position (GRCh38, 1-based): chr10:80,170,897, C>T on the plus strand (G>A on the coding strand, the complement: ANXA11 is on the minus strand). VCF-style: chr10-80170897-C-T. GRCh37 (hg19) VCF-style: chr10-81930653-C-T.
Other names: c.74G>A (NM_001157.2); c.74G>A, p.Gly25Asp (NM_001157.3, NM_001278407.2, NM_001278408.2 and 1 more transcripts); c.-26G>A (NM_001278409.2); short protein forms G25D.
Identifiers: ClinVar variation 2077611 (VCV002077611.6), dbSNP rs770526320, ClinGen allele CA5576401.
Genomic context (GRCh38, chr10:80,170,897, plus strand): 5'-TAGGTGGCCACGTTATCCAGCCCGATGGGGGGCATGCTGGGCGGAGGAGGGTAGGCAGCA[C>T]CTCCCCAGGGACCACCACCTGAAAGCAACACCAAGCCCTTTAGCCCCCTGCCAGTCCCCC-3'
Protein context (NP_665875.1, residues 15-35): PAAPGGGPWG[Gly25Asp]AAYPPPPSMP

ClinVar aggregate classification (germline): Uncertain significance. Review status: criteria provided, multiple submitters, no conflicts (2 of 4 stars). 2 submissions from 2 submitters: Uncertain significance (2). Last evaluated 2023-11-05.

Conditions:
Inborn genetic diseases. Identifiers: MedGen C0950123, MeSH D030342.

Allele frequency attached by ClinVar (database versions not stated): ExAC 0.00002; gnomAD exomes 0.00001.
gnomAD v4.1: 24 of 1,580,326 alleles (0.0015%); highest among the groups gnomAD compares: Middle Eastern, 0.067%; no homozygotes.

Submissions (2):

Labcorp Genetics (formerly Invitae), Labcorp
Classification: Uncertain significance. Last evaluated: 2023-11-05. Review status: criteria provided, single submitter. Criteria: Invitae Variant Classification Sherloc (09022015). Collection method: clinical testing. Allele origin: germline.
Comment: This sequence change replaces glycine, which is neutral and non-polar, with aspartic acid, which is acidic and polar, at codon 25 of the ANXA11 protein (p.Gly25Asp). This variant is present in population databases (rs770526320, gnomAD 0.002%). This variant has not been reported in the literature in individuals affected with ANXA11-related conditions. ClinVar contains an entry for this variant (Variation ID: 2077611). Experimental studies and prediction algorithms are not available or were not evaluated, and the functional significance of this variant is currently unknown. In summary, the available evidence is currently insufficient to determine the role of this variant in disease. Therefore, it has been classified as a Variant of Uncertain Significance.

Ambry Genetics
Classification: Uncertain significance for Inborn genetic diseases. Last evaluated: 2023-01-10. Review status: criteria provided, single submitter. Criteria: Ambry Variant Classification Scheme 2023. Collection method: clinical testing. Allele origin: germline.